The following is an entry in ClinVar:

NM_007294.4(BRCA1):c.5332+4A>G

Gene: BRCA1 (BRCA1 DNA repair associated; minus strand). Cytogenetic location: 17q21.31.
Variant type: single nucleotide variant.
Coding change: c.5332+4A>G on transcript NM_007294.4 (MANE Select); 4 bases into the intron after coding-DNA position 5332, A replaced by G.
Molecular consequence: intron variant.
Genome position (GRCh38, 1-based): chr17:43,051,059, T>C on the plus strand (A>G on the coding strand, the complement: BRCA1 is on the minus strand). VCF-style: chr17-43051059-T-C. GRCh37 (hg19) VCF-style: chr17-41203076-T-C.
Other names: IVS21+4A>G; c.1879+4A>G (NM_001408458.1, NM_001408461.1, NM_001408464.1 and 7 more transcripts); c.4441+4A>G (NM_001407967.1); c.4951+4A>G (NM_001407959.1); c.5065+4A>G (NM_001407931.1, NM_001407932.1, NM_001407928.1 and 4 more transcripts); c.5188+4A>G (NM_001407747.1, NM_001407745.1, NM_001407737.1 and 21 more transcripts); c.4948+4A>G (NM_001407962.1, NM_001407960.1); c.1519+4A>G (NM_001408512.1); and 75 more.
Identifiers: ClinVar variation 125827 (VCV000125827.31), dbSNP rs80358166, ClinGen allele CA003490.
Genomic context (GRCh38, chr17:43,051,059, plus strand): 5'-ATAATACTCCACTATGTAAGACAAAGGCTGGTGCTGGAACTCTGGGGTTCTCCCAGGCTC[T>C]TACCTGTGGGCATGTTGGTGAAGGGCCCATAGCAACAGATTTCTAGCCCCCTGAAGATCT-3'

ClinVar aggregate classification (germline): Conflicting classifications of pathogenicity. Review status: criteria provided, conflicting classifications (1 of 4 stars). 11 submissions from 11 submitters: Likely pathogenic (1); Uncertain significance (7); Likely benign (1). 2 of the submissions do not count toward it. Last evaluated 2025-12-31.

Conditions:
Hereditary cancer-predisposing syndrome. Also called: Tumor predisposition; Hereditary neoplastic syndrome; Hereditary Cancer Syndrome; Neoplastic Syndromes, Hereditary. Identifiers: Orphanet 140162, MedGen C0027672, MeSH D009386, MONDO:0015356.
Hereditary breast ovarian cancer syndrome. Also called: Hereditary breast and/or ovarian cancer syndrome; Breast and ovarian cancer; Hereditary breast and ovarian cancer syndrome; Hereditary breast and ovarian cancer; Hereditary breast and ovarian cancer syndrome (HBOC); BRCA1- and BRCA2-Associated Hereditary Breast and Ovarian Cancer. Identifiers: Orphanet 145, MedGen C0677776, MeSH D061325, MONDO:0003582. Disease mechanism: loss of function.
Breast-ovarian cancer, familial, susceptibility to, 1 (BROVCA1). Also called: BRCA1 Hereditary Breast and Ovarian Cancer; OVARIAN CANCER, SUSCEPTIBILITY TO. Identifiers: Orphanet 145, MedGen C2676676, MONDO:0011450, OMIM 604370. Disease mechanism: loss of function.

Allele frequency attached by ClinVar (database versions not stated): ExAC 0.00002; gnomAD exomes 0.00002.
gnomAD v4.1: 24 of 1,613,814 alleles (0.0015%); highest among the groups gnomAD compares: Non-Finnish European, 0.0015%; no homozygotes.

Submissions 1 to 5 of 12:

Labcorp Genetics (formerly Invitae), Labcorp
Classification: Uncertain significance for Hereditary breast ovarian cancer syndrome. Last evaluated: 2025-12-31. Review status: criteria provided, single submitter. Criteria: Invitae Variant Classification Sherloc (09022015). Collection method: clinical testing. Allele origin: germline.
Comment: This sequence change falls in intron 20 of the BRCA1 gene. It does not directly change the encoded amino acid sequence of the BRCA1 protein. It affects a nucleotide within the consensus splice site. This variant is present in population databases (rs80358166, gnomAD 0.01%). This variant has been observed in individual(s) with clinical features of hereditary breast and/or ovarian cancer syndrome (PMID: 22762150, 29446198, 34981296). This variant is also known as IVS21+4A>G. ClinVar contains an entry for this variant (Variation ID: 125827). Variants that disrupt the consensus splice site are a relatively common cause of aberrant splicing (PMID: 17576681, 9536098). Studies have shown that this variant is associated with inconclusive levels of altered splicing (internal data). In summary, the available evidence is currently insufficient to determine the role of this variant in disease. Therefore, it has been classified as a Variant of Uncertain Significance.

Quest Diagnostics Nichols Institute San Juan Capistrano
Classification: Uncertain significance. Last evaluated: 2025-08-26. Review status: criteria provided, single submitter. Criteria: Quest Diagnostics criteria. Collection method: clinical testing. Allele origin: unknown.
Comment: The BRCA1 c.5332+4A>G variant has been reported in the published literature in studies of BRCA1/2 positive families or individuals (PMID: 22762150 (2012), 29446198 (2018)). Functional studies demonstrated that this variant had an inconclusive effect on protein function, with retention of functional activity in a saturation genome editing study using a haploid cell line (PMID: 30209399 (2018)), and abnormal splicing on patient RNA (PMID: 31143303 (2019)). The frequency of this variant in the general population (Genome Aggregation Database) is uninformative in the assessment of its pathogenicity. Analysis of this variant using software algorithms for the prediction of the effect of nucleotide changes on splicing yielded predictions that this variant does not affect BRCA1 mRNA splicing. Based on the available information, we are unable to determine the clinical significance of this variant.

Ambry Genetics
Classification: Uncertain significance for Hereditary cancer-predisposing syndrome. Last evaluated: 2025-07-31. Review status: criteria provided, single submitter. Criteria: Ambry Variant Classification Scheme 2023. Collection method: clinical testing. Allele origin: germline.
Comment: The c.5332+4A>G intronic variant results from an A to G substitution 4 nucleotides after coding exon 19 in the BRCA1 gene. This nucleotide position is highly conserved in available vertebrate species. This alteration has been found in multiple breast and/or ovarian cancer cohorts (Lecarpentier J et al. Breast Cancer Res. 2012 Jul;14:R99; Rebbeck TR et al. Hum. Mutat. 2018 05;39:593-620). RNA studies have demonstrated that this alteration results in an incomplete splice defect of CDS19 skipping (also referred to as exon 20 in the literature); the clinical impact of this abnormal splicing is unknown at this time (Wangensteen T et al. Hered Cancer Clin Pract. 2019 May;17:14; Ambry internal data); This nucleotide substitution is functional in a high throughput genome editing haploid cell survival assay that can measure both protein and mRNA effects (Findlay GM et al. Nature. 2018 10;562:217-222). In silico splice site analysis predicts that this alteration will not have any significant effect on splicing. Based on the available evidence, the clinical significance of this variant remains unclear.

Lupski Lab, Baylor-Hopkins CMG, Baylor College of Medicine
Classification: Likely benign for Breast-ovarian cancer, familial, susceptibility to, 1. Last evaluated: 2024-04-12. Review status: criteria provided, single submitter. Criteria: Dawood et al. (medRxiv. 2024). Collection method: curation. Allele origin: germline.
Comment: Each variant was annotated with functional scores from MAVE data which was translated into functional evidence codes. All other evidence codes and combining criteria were adhered to as closely as possible based on the ClinGen VCEP (Variant Curation Expert Panel) gene-specific recommendations. See Supplemental Figure 34 of final paper (Supp Fig. 28 in preprint: doi:10.1101/2024.04.11.24305690) for a table to see which lines of evidence we did not have data for. The ClinGen VCEPs are highly regarded as the gold-standard for gene-specific variant curation and are developed after extensive evaluation of the evidence by clinical and scientific experts for the particular gene to classify genomic variants on a spectrum from pathogenic to benign using the 2015 ACMG/AMP Variant Interpretation Guidelines as a backbone (PMID: 25741868). Reclassification of these VUS variants from gnomAD or All of Us focused only on variants originally prescribed as VUS in ClinVar. To ensure reproducibility, transparency, and increased throughput, all the procedures for annotating variants and assigning evidence codes were codified using Python. All code has been made freely available and is linked in the Code Availability section and all reclassified variants with evidence codes used can be found in Tables S18-19 (preprint: doi:10.1101/2024.04.11.24305690). For the MAVE data, the clinical curation and clinical strength assignment as per the ClinGen recommendations in Brnich et al. (2020) (PMID: 31892348) for or against pathogenicity or benignity of each of these MAVE datasets utilized in this study were previously published in Fayer et al. (2021) (PMID: 34793697).In brief, for BRCA1 variants, if a variant was categorized as FUNC (functional), it was assigned BS3 evidence and no PS3 evidence, whereas if it was categorized as LOF (loss of function), the variant was assigned PS3 evidence and no BS3 evidence. Variants categorized as INT (intermediate) were left unannotated. For the BRCA1 combining criteria, greater than or equal to 1 criteria of strong benign evidence was enough to reclassify the VUS as Likely Benign. This variant GRCh38:17:43051059:T>C was assigned evidence codes ['BS3'] and an overall classification of Likely benign

All of Us Research Program, National Institutes of Health
Classification: Uncertain significance for Breast-ovarian cancer, familial, susceptibility to, 1. Last evaluated: 2023-12-15. Review status: criteria provided, single submitter. Criteria: ACMG Guidelines, 2015. Collection method: clinical testing. Allele origin: germline. Inheritance: Autosomal dominant inheritance. Observed: 3 variant alleles, 3 heterozygotes.
Comment: This variant causes an A to G nucleotide substitution at the +4 position of intron 20 of the BRCA1 gene. This variant is also known as IVS21+4A>G according to the BIC nomenclature. Splice prediction tools suggest that this variant is unlikely to affect splicing. An RT-PCR study using RNA derived from a carrier individual has reported that this variant may cause out-of-frame skipping of exon 20 (PMID: 31143303). However, the study did not show if the aberration was complete or partial and was unable to draw any conclusion about pathogenicity of this variant. A functional study that requires splicing of variant transcript has reported that this variant does not impact BRCA1 function in a haploid cell proliferation assay (PMID: 30209399). This variant has been reported in an individual affected with or at risk of breast cancer (PMID: 22762150). This variant has been identified in 4/251334 chromosomes in the general population by the Genome Aggregation Database (gnomAD). The available evidence is insufficient to determine the role of this variant in disease conclusively. Therefore, this variant is classified as a Variant of Uncertain Significance.

This study involves interpretation of variants in research participants for the purpose of population health screening. Participant phenotype was not available at the time of variant classification. Additional details can be found in publication PMID: 35346344, PMCID: PMC8962531